The following is an entry in ClinVar:

NM_000834.5(GRIN2B):c.3241C>A (p.Arg1081Ser)

Gene: GRIN2B (glutamate ionotropic receptor NMDA type subunit 2B; minus strand). Cytogenetic location: 12p13.1.
Variant type: single nucleotide variant.
Coding change: c.3241C>A on transcript NM_000834.5 (MANE Select); coding-DNA position 3241, C replaced by A.
Protein change: p.Arg1081Ser; replaces arginine 1081 with serine.
Molecular consequence: missense variant.
Genome position (GRCh38, 1-based): chr12:13,563,997, G>T on the plus strand (C>A on the coding strand, the complement: GRIN2B is on the minus strand). VCF-style: chr12-13563997-G-T. GRCh37 (hg19) VCF-style: chr12-13716931-G-T.
Other names: p.R1081S:CGT>AGT; short protein forms R1081S.
Identifiers: ClinVar variation 205718 (VCV000205718.2), dbSNP rs796052576, ClinGen allele CA315064.
Genomic context (GRCh38, chr12:13,563,997, plus strand): 5'-CCCTGCGGGACTTGGCCGAGGCAGGCCGCTTCTTCAGGCTGTCCTTATATTGCTGCTTAC[G>T]CCTCTTGGCGGCATTGCCCTCGATGTTCCCATAGGTGACGGTGTGGGTTGAGATGTCAGA-3'
Protein context (NP_000825.2, residues 1071-1091): GNIEGNAAKR[Arg1081Ser]KQQYKDSLKK

ClinVar aggregate classification (germline): Uncertain significance (1 of 4 stars; one submission).

Submission:

GeneDx
Classification: Uncertain significance. Last evaluated: 2016-08-31. Review status: criteria provided, single submitter. Criteria: GeneDx Variant Classification (06012015). Collection method: clinical testing. Allele origin: germline. Affected: yes.
Comment: A variant of uncertain significance has been identified in the GRIN2B gene. The R1081S variant has not been published as a pathogenic variant, nor has it been reported as a benign variant to our knowledge. It was not observed in approximately 6,500 individuals of European and African American ancestry in the NHLBI Exome Sequencing Project, indicating it is not a common benign variant in these populations. The R1081S variant is a semi-conservative amino acid substitution, which may impact secondary protein structure as these residues differ in some properties. This substitution occurs at a position that is conserved across species. In silico analysis is inconsistent in its predictions as to whether or not the variant is damaging to the protein structure/function. Based on the currently available information, it is unclear whether this variant is a pathogenic variant or a rare benign variant.